The following is an entry in ClinVar:

NM_000137.4(FAH):c.808dup (p.Met270fs)

Gene: FAH (fumarylacetoacetate hydrolase; plus strand). Cytogenetic location: 15q25.1.
Variant type: Duplication.
Coding change: c.808dup on transcript NM_000137.4 (MANE Select); coding-DNA position 808, one base duplicated (A; older notation c.808dupA).
Protein change: p.Met270fs; shifts the reading frame from methionine 270.
Molecular consequence: frameshift variant.
Genome position (GRCh38, 1-based): chr15:80,173,115, A duplicated. VCF-style (leftmost placement, unchanged base first): chr15-80173114-C-CA. GRCh37 (hg19) VCF-style: chr15-80465456-C-CA.
Other names: c.808dup, p.Met270fs (NM_001374377.1, NM_001374380.1); short protein forms M270fs.
Identifiers: ClinVar variation 2854890 (VCV002854890.3), dbSNP rs2505855047, ClinGen allele CA2739269611.
Genomic context (GRCh38, chr15:80,173,114, plus strand): 5'-ATTCCTTGGGAAGAGTTTTGGGACCACTGTCTCTCCGTGGGTGGTGCCCATGGATGCTCT[C>CA]ATGCCCTTTGCTGTGCCCAACCCGAAGCAGGTAAGCACATTCTCTGCAGGAAGCTCCCAA-3'

ClinVar aggregate classification (germline): Pathogenic (1 of 4 stars; one submission).

Conditions:
Tyrosinemia type I (TYRSN1). Also called: FAH DEFICIENCY; Tyrosinemia type 1; Fumarylacetoacetase deficiency; HEPATORENAL TYROSINEMIA; Deficiency of fumarylacetoacetase. Identifiers: Orphanet 882, MedGen C0268490, MONDO:0010161, OMIM 276700. Disease mechanism: loss of function.

Submission:

Labcorp Genetics (formerly Invitae), Labcorp
Classification: Pathogenic for Tyrosinemia type I. Last evaluated: 2023-04-10. Review status: criteria provided, single submitter. Criteria: Invitae Variant Classification Sherloc (09022015). Collection method: clinical testing. Allele origin: germline.
Comment: This sequence change creates a premature translational stop signal (p.Met270Asnfs*21) in the FAH gene. It is expected to result in an absent or disrupted protein product. Loss-of-function variants in FAH are known to be pathogenic (PMID: 9101289, 9633815). This variant is not present in population databases (gnomAD no frequency). This variant has not been reported in the literature in individuals affected with FAH-related conditions. For these reasons, this variant has been classified as Pathogenic.

Literature cited by the submitters: PubMed 9101289; PubMed 9633815.